The following is an entry in ClinVar:

NM_002609.4(PDGFRB):c.22C>G (p.Pro8Ala)

Gene: PDGFRB (platelet derived growth factor receptor beta; minus strand). Cytogenetic location: 5q32.
Variant type: single nucleotide variant.
Coding change: c.22C>G on transcript NM_002609.4 (MANE Select); coding-DNA position 22, C replaced by G.
Protein change: p.Pro8Ala; replaces proline 8 with alanine.
Molecular consequence: missense variant. On other transcripts: 5 prime UTR variant (1), intron variant (1).
Genome position (GRCh38, 1-based): chr5:150,137,026, G>C on the plus strand (C>G on the coding strand, the complement: PDGFRB is on the minus strand). VCF-style: chr5-150137026-G-C. GRCh37 (hg19) VCF-style: chr5-149516589-G-C.
Other names: c.-496C>G (NM_001355017.2); c.-152-1148C>G (NM_001355016.2); short protein forms P8A.
Identifiers: ClinVar variation 2442717 (VCV002442717.1), dbSNP rs1760652843, ClinGen allele CA361730826.
Genomic context (GRCh38, chr5:150,137,026, plus strand): 5'-CGCAGCCCCCCGGGTCCCCTACCTTATCTCCCATCTACCCACCTTTGAGGGCCAGAGCTG[G>C]CATCGCACCCGGAAGCCGCATGGTGTCCTGCAGAGTTAAACAGGAGTCAGGGCCCAGGGC-3'
Protein context (NP_002600.1, residues 1-18): MRLPGAM[Pro8Ala]ALALKGELLL

ClinVar aggregate classification (germline): Uncertain significance (1 of 4 stars; one submission).

Allele frequency attached by ClinVar (database versions not stated): TOPMed 0.00001.

Submission:

GeneDx
Classification: Uncertain significance. Last evaluated: 2022-09-01. Review status: criteria provided, single submitter. Criteria: GeneDx Variant Classification Process June 2021. Collection method: clinical testing. Allele origin: germline. Affected: yes.
Comment: Not observed at significant frequency in large population cohorts (gnomAD); In silico analysis supports that this missense variant does not alter protein structure/function; Has not been previously published as pathogenic or benign to our knowledge